The following is an entry in ClinVar:

ClinVar aggregate classification (germline): Uncertain significance (1 of 4 stars; one submission).

Conditions:
Tuberous sclerosis 1 (TSC1). Identifiers: Orphanet 805, MedGen C1854465, MONDO:0008612, OMIM 191100.

Submission:

Labcorp Genetics (formerly Invitae), Labcorp
Classification: Uncertain significance for Tuberous sclerosis 1. Last evaluated: 2024-10-09. Review status: criteria provided, single submitter. Criteria: Invitae Variant Classification Sherloc (09022015). Collection method: clinical testing. Allele origin: germline.
Comment: This sequence change replaces proline, which is neutral and non-polar, with arginine, which is basic and polar, at codon 333 of the TSC1 protein (p.Pro333Arg). This variant is not present in population databases (gnomAD no frequency). This variant has not been reported in the literature in individuals affected with TSC1-related conditions. Invitae Evidence Modeling of protein sequence and biophysical properties (such as structural, functional, and spatial information, amino acid conservation, physicochemical variation, residue mobility, and thermodynamic stability) indicates that this missense variant is not expected to disrupt TSC1 protein function with a negative predictive value of 95%. In summary, the available evidence is currently insufficient to determine the role of this variant in disease. Therefore, it has been classified as a Variant of Uncertain Significance.

NM_000368.5(TSC1):c.998C>G (p.Pro333Arg)

Gene: TSC1 (TSC complex subunit 1; minus strand). Cytogenetic location: 9q34.13.
Variant type: single nucleotide variant.
Coding change: c.998C>G on transcript NM_000368.5 (MANE Select); coding-DNA position 998, C replaced by G.
Protein change: p.Pro333Arg; replaces proline 333 with arginine.
Molecular consequence: missense variant. On other transcripts: 5 prime UTR variant (2), non-coding transcript variant (5).
Genome position (GRCh38, 1-based): chr9:132,911,484, G>C on the plus strand (C>G on the coding strand, the complement: TSC1 is on the minus strand). VCF-style: chr9-132911484-G-C. GRCh37 (hg19) VCF-style: chr9-135786871-G-C.
Other names: c.-96C>G (NM_001406629.1, NM_001406630.1); c.998C>G, p.Pro333Arg (NM_001162426.2, NM_001406592.1, NM_001406593.1 and 16 more transcripts); c.845C>G, p.Pro282Arg (NM_001162427.2, NM_001406610.1, NM_001406611.1 and 2 more transcripts); c.635C>G, p.Pro212Arg (NM_001362177.2, NM_001406614.1, NM_001406615.1 and 10 more transcripts); c.47C>G, p.Pro16Arg (NM_001406626.1, NM_001406627.1, NM_001406628.1); short protein forms P333R, P16R, P282R, P212R.
Identifiers: ClinVar variation 3720851 (VCV003720851.2).